The following is an entry in ClinVar:

ClinVar aggregate classification (germline): Uncertain significance (1 of 4 stars; one submission).

Conditions:
Walker-Warburg congenital muscular dystrophy. Also called: Muscular dystrophy-dystroglycanopathy, type A; Walker-Warburg syndrome. Identifiers: Orphanet 899, MedGen C0265221, MONDO:0000171.

Allele frequency attached by ClinVar (database versions not stated): gnomAD exomes below 0.00001.
gnomAD v4.1: 1 of 1,517,214 alleles (0.000066%); highest among the groups gnomAD compares: Non-Finnish European, 0.000087%; no homozygotes.

Submission:

Labcorp Genetics (formerly Invitae), Labcorp
Classification: Uncertain significance for Walker-Warburg congenital muscular dystrophy. Last evaluated: 2022-07-22. Review status: criteria provided, single submitter. Criteria: Invitae Variant Classification Sherloc (09022015). Collection method: clinical testing. Allele origin: germline.
Comment: Algorithms developed to predict the effect of missense changes on protein structure and function (SIFT, PolyPhen-2, Align-GVGD) all suggest that this variant is likely to be disruptive. In summary, the available evidence is currently insufficient to determine the role of this variant in disease. Therefore, it has been classified as a Variant of Uncertain Significance. This variant has not been reported in the literature in individuals affected with FKRP-related conditions. This sequence change replaces glutamine, which is neutral and polar, with proline, which is neutral and non-polar, at codon 225 of the FKRP protein (p.Gln225Pro). This variant is not present in population databases (gnomAD no frequency).

NM_024301.5(FKRP):c.674A>C (p.Gln225Pro)

Gene: FKRP (fukutin related protein; plus strand). Cytogenetic location: 19q13.32.
Variant type: single nucleotide variant.
Coding change: c.674A>C on transcript NM_024301.5 (MANE Select); coding-DNA position 674, A replaced by C.
Protein change: p.Gln225Pro; replaces glutamine 225 with proline.
Molecular consequence: missense variant.
Genome position (GRCh38, 1-based): chr19:46,756,124, A>C. VCF-style: chr19-46756124-A-C. GRCh37 (hg19) VCF-style: chr19-47259381-A-C.
Other names: c.674A>C, p.Gln225Pro (NM_001039885.3); short protein forms Q225P.
Identifiers: ClinVar variation 2143563 (VCV002143563.4), dbSNP rs2513990803, ClinGen allele CA406495784.
Genomic context (GRCh38, chr19:46,756,124, plus strand): 5'-GCGACCTCTTCAACCTCTCGGCGCCCCTGGCCCGGCCGGTGGGCACCAGCCTCTTTCTGC[A>C]GACCGCCCTTCGCGGCTGGGCGGTGCAGCTGCTGGACTTGACCTTCGCCGCGGCGCGCCA-3'
Protein context (NP_077277.1, residues 215-235): ARPVGTSLFL[Gln225Pro]TALRGWAVQL